The following is an entry in ClinVar:

ClinVar aggregate classification (germline): Conflicting classifications of pathogenicity. Review status: criteria provided, conflicting classifications (1 of 4 stars). 6 submissions from 6 submitters: Uncertain significance (3); Likely benign (3). Last evaluated 2024-04-19.

Conditions:
Sotos syndrome (SOTOS). Also called: CHROMOSOME 5q35 DELETION SYNDROME; CEREBRAL GIGANTISM; Sotos' syndrome; SOTOS SYNDROME 1; Distinctive facial appearance, overgrowth in childhood, and learning disabilities or delayed development. Identifiers: Orphanet 821, MedGen C0175695, MONDO:0019349, OMIM 117550.
Inborn genetic diseases. Identifiers: MedGen C0950123, MeSH D030342.

Allele frequency attached by ClinVar (database versions not stated): gnomAD exomes 0.00003; TOPMed 0.00002; gnomAD 0.00003; ExAC 0.00002.
gnomAD v4.1: 43 of 1,612,332 alleles (0.0027%); highest among the groups gnomAD compares: Non-Finnish European, 0.0036%; no homozygotes.

Submissions (6):

Fulgent Genetics
Classification: Uncertain significance for Sotos syndrome. Last evaluated: 2024-04-19. Review status: criteria provided, single submitter. Criteria: ACMG Guidelines, 2015. Collection method: clinical testing. Allele origin: germline.

Labcorp Genetics (formerly Invitae), Labcorp
Classification: Likely benign. Last evaluated: 2024-03-01. Review status: criteria provided, single submitter. Criteria: Invitae Variant Classification Sherloc (09022015). Collection method: clinical testing. Allele origin: germline.

Institute for Clinical Genetics, University Hospital TU Dresden, University Hospital TU Dresden
Classification: Uncertain significance. Last evaluated: 2022-10-27. Review status: criteria provided, single submitter. Criteria: ACMG Guidelines, 2015. Collection method: clinical testing. Allele origin: paternal.

Genome-Nilou Lab
Classification: Likely benign for Sotos syndrome. Last evaluated: 2021-07-15. Review status: criteria provided, single submitter. Criteria: ACMG Guidelines, 2015. Collection method: clinical testing. Allele origin: germline. Affected: no.

GeneDx
Classification: Likely benign. Last evaluated: 2020-12-16. Review status: criteria provided, single submitter. Criteria: GeneDx Variant Classification Process June 2021. Collection method: clinical testing. Allele origin: germline. Affected: yes.
Comment: In silico analysis, which includes protein predictors and evolutionary conservation, supports that this variant does not alter protein structure/function; Has not been previously published as pathogenic or benign to our knowledge

Ambry Genetics
Classification: Uncertain significance for Inborn genetic diseases. Last evaluated: 2016-05-06. Review status: criteria provided, single submitter. Criteria: Ambry Variant Classification Scheme 2023. Collection method: clinical testing. Allele origin: germline.
Comment: The p.P228A variant (also known as c.682C>G), located in coding exon 1 of the NSD1 gene, results from a C to G substitution at nucleotide position 682. The proline at codon 228 is replaced by alanine, an amino acid with highly similar properties. This variant was not reported in population based cohorts in the following databases: Database of Single Nucleotide Polymorphisms (dbSNP), NHLBI Exome Sequencing Project (ESP), and 1000 Genomes Project. In the ESP, this variant was not observed in 6503 samples (13006 alleles) with coverage at this position. This amino acid position is well conserved in available vertebrate species. In addition, this alteration is predicted to be tolerated by in silico analysis. Since supporting evidence is limited at this time, the clinical significance of this alteration remains unclear.

NM_022455.5(NSD1):c.682C>G (p.Pro228Ala)

Gene: NSD1 (nuclear receptor binding SET domain protein 1; plus strand). Cytogenetic location: 5q35.3.
Variant type: single nucleotide variant.
Coding change: c.682C>G on transcript NM_022455.5 (MANE Select); coding-DNA position 682, C replaced by G.
Protein change: p.Pro228Ala; replaces proline 228 with alanine.
Molecular consequence: missense variant. On other transcripts: intron variant (8).
Genome position (GRCh38, 1-based): chr5:177,135,785, C>G. VCF-style: chr5-177135785-C-G. GRCh37 (hg19) VCF-style: chr5-176562786-C-G.
Other names: c.682C>G, p.Pro228Ala (NM_001409301.1, NM_001409302.1, NM_001409303.1); c.418-156C>G (NM_001409304.1); c.-36-156C>G (NM_001409305.1, NM_001409306.1, NM_001409308.1 and 4 more transcripts); short protein forms P228A.
Identifiers: ClinVar variation 587866 (VCV000587866.18), dbSNP rs770522999, ClinGen allele CA3576932.